The following is an entry in ClinVar:

NM_001458.5(FLNC):c.5239G>A (p.Val1747Met)

Gene: FLNC (filamin C; plus strand). Cytogenetic location: 7q32.1.
Variant type: single nucleotide variant.
Coding change: c.5239G>A on transcript NM_001458.5 (MANE Select); coding-DNA position 5239, G replaced by A.
Protein change: p.Val1747Met; replaces valine 1747 with methionine.
Molecular consequence: missense variant. On other transcripts: intron variant (1).
Genome position (GRCh38, 1-based): chr7:128,850,015, G>A. VCF-style: chr7-128850015-G-A. GRCh37 (hg19) VCF-style: chr7-128490069-G-A.
Other names: c.5200-369G>A (NM_001127487.2); short protein forms V1747M.
Identifiers: ClinVar variation 472096 (VCV000472096.13), dbSNP rs764373507, ClinGen allele CA166186164.
Genomic context (GRCh38, chr7:128,850,015, plus strand): 5'-CCCCGTGCCTTGCCTCCCCAGGCGTGTGACCCCCTGCCGCACGAGGAGGAGCCCTCTGAA[G>A]TGCCACAGCTGCGCCAGCCCTACGCTCCTCCCCGGCCCGGCGCCCGCCCCACACACTGGG-3'
Protein context (NP_001449.3, residues 1737-1757): PLPHEEEPSE[Val1747Met]PQLRQPYAPP

ClinVar aggregate classification (germline): Uncertain significance. Review status: criteria provided, multiple submitters, no conflicts (2 of 4 stars). 3 submissions from 3 submitters: Uncertain significance (3). Last evaluated 2026-07-06.

Conditions:
FLNC-related disorder. Also called: FLNC-related disorders; FLNC-related condition.
Myofibrillar myopathy 5. Also called: Filaminopathy (type); FILAMINOPATHY, AUTOSOMAL DOMINANT. Identifiers: Orphanet 171445, MedGen C1836050, MONDO:0012289, OMIM 609524.
Distal myopathy with posterior leg and anterior hand involvement. Also called: WILLIAMS DISTAL MYOPATHY. Identifiers: Orphanet 63273, MedGen C3279722, MONDO:0013550, OMIM 614065.
Hypertrophic cardiomyopathy 26. Also called: Cardiomyopathy, familial hypertrophic, 26. Identifiers: Orphanet 75249, MedGen C4310749, MONDO:0014883, OMIM 617047.
Cardiovascular phenotype. Identifiers: MedGen CN230736.

Allele frequency attached by ClinVar (database versions not stated): gnomAD exomes 0.00001; TOPMed 0.00001.
gnomAD v4.1: 7 of 1,575,960 alleles (0.00044%); highest among the groups gnomAD compares: Non-Finnish European, 0.0006%; no homozygotes.

Submissions (3):

Ambry Genetics
Classification: Uncertain significance for Cardiovascular phenotype. Last evaluated: 2026-07-06. Review status: criteria provided, single submitter. Criteria: Ambry Variant Classification Scheme 2023. Collection method: clinical testing. Allele origin: germline.
Comment: The p.V1747M variant (also known as c.5239G>A), located in coding exon 31 of the FLNC gene, results from a G to A substitution at nucleotide position 5239. The valine at codon 1747 is replaced by methionine, an amino acid with highly similar properties. This amino acid position is conserved. In addition, this alteration is predicted to be tolerated by in silico analysis. Based on the available evidence, the clinical significance of this variant remains unclear.

PreventionGenetics, part of Exact Sciences
Classification: Uncertain significance for FLNC-related condition. Last evaluated: 2026-03-10. Review status: criteria provided, single submitter. Criteria: ACMG Guidelines, 2015. Collection method: clinical testing. Allele origin: germline.
Comment: The FLNC c.5239G>A variant is predicted to result in the amino acid substitution p.Val1747Met. To our knowledge, this variant has not been reported in the literature. This variant is reported in 0.0006% of alleles in individuals of European (non-Finnish) descent in gnomAD. At this time, the clinical significance of this variant is uncertain due to the absence of conclusive functional and genetic evidence.

Labcorp Genetics (formerly Invitae), Labcorp
Classification: Uncertain significance for Distal myopathy with posterior leg and anterior hand involvement; Myofibrillar myopathy 5; Hypertrophic cardiomyopathy 26. Last evaluated: 2024-08-15. Review status: criteria provided, single submitter. Criteria: Invitae Variant Classification Sherloc (09022015). Collection method: clinical testing. Allele origin: germline.
Comment: This sequence change replaces valine, which is neutral and non-polar, with methionine, which is neutral and non-polar, at codon 1747 of the FLNC protein (p.Val1747Met). This variant is not present in population databases (gnomAD no frequency). This variant has not been reported in the literature in individuals affected with FLNC-related conditions. ClinVar contains an entry for this variant (Variation ID: 472096). An algorithm developed to predict the effect of missense changes on protein structure and function outputs the following: PolyPhen-2: "Benign". The methionine amino acid residue is found in multiple mammalian species, which suggests that this missense change does not adversely affect protein function. In summary, the available evidence is currently insufficient to determine the role of this variant in disease. Therefore, it has been classified as a Variant of Uncertain Significance.